The following is an entry in ClinVar:

ClinVar aggregate classification (germline): Conflicting classifications of pathogenicity. Review status: criteria provided, conflicting classifications (1 of 4 stars). 2 submissions from 2 submitters: Uncertain significance (1); Likely benign (1). Last evaluated 2025-05-06.

Allele frequency attached by ClinVar (database versions not stated): gnomAD exomes 0.00006 and 0.00011; ExAC 0.00010; gnomAD 0.00010 and 0.00011; TOPMed 0.00017.

Submissions (2):

Labcorp Genetics (formerly Invitae), Labcorp
Classification: Uncertain significance. Last evaluated: 2025-05-06. Review status: criteria provided, single submitter. Criteria: Invitae Variant Classification Sherloc (09022015). Collection method: clinical testing. Allele origin: germline.
Comment: This sequence change replaces valine, which is neutral and non-polar, with isoleucine, which is neutral and non-polar, at codon 206 of the OR2W3 protein (p.Val206Ile). This variant is present in population databases (rs773018331, gnomAD 0.08%), and has an allele count higher than expected for a pathogenic variant. This variant has not been reported in the literature in individuals affected with OR2W3-related conditions. ClinVar contains an entry for this variant (Variation ID: 1430286). An algorithm developed to predict the effect of missense changes on protein structure and function outputs the following: PolyPhen-2: "Benign". The isoleucine amino acid residue is found in multiple mammalian species, which suggests that this missense change does not adversely affect protein function. In summary, the available evidence is currently insufficient to determine the role of this variant in disease. Therefore, it has been classified as a Variant of Uncertain Significance.

Ambry Genetics
Classification: Likely benign. Last evaluated: 2021-11-05. Review status: criteria provided, single submitter. Criteria: Ambry Variant Classification Scheme 2023. Collection method: clinical testing. Allele origin: germline.

NM_001001957.2(OR2W3):c.616G>A (p.Val206Ile)

Gene: OR2W3 (olfactory receptor family 2 subfamily W member 3; plus strand). Cytogenetic location: 1q44.
Variant type: single nucleotide variant.
Coding change: c.616G>A on transcript NM_001001957.2 (MANE Select); coding-DNA position 616, G replaced by A.
Protein change: p.Val206Ile; replaces valine 206 with isoleucine.
Molecular consequence: missense variant.
Genome position (GRCh38, 1-based): chr1:247,896,202, G>A. VCF-style: chr1-247896202-G-A. GRCh37 (hg19) VCF-style: chr1-248059504-G-A.
Other names: short protein forms V206I.
Identifiers: ClinVar variation 1430286 (VCV001430286.7), dbSNP rs773018331, ClinGen allele CA1498652.